The following is an entry in ClinVar:

NM_000719.7(CACNA1C):c.874G>A (p.Gly292Arg)

Gene: CACNA1C (calcium voltage-gated channel subunit alpha1 C; plus strand). Cytogenetic location: 12p13.33.
Variant type: single nucleotide variant.
Coding change: c.874G>A on transcript NM_000719.7 (MANE Select); coding-DNA position 874, G replaced by A.
Protein change: p.Gly292Arg; replaces glycine 292 with arginine.
Molecular consequence: missense variant.
Genome position (GRCh38, 1-based): chr12:2,486,220, G>A. VCF-style: chr12-2486220-G-A. GRCh37 (hg19) VCF-style: chr12-2595386-G-A.
Other names: c.874G>A, p.Gly292Arg (NM_001129827.2, NM_001129829.2, NM_001129830.3 and 19 more transcripts); short protein forms G292R.
Identifiers: ClinVar variation 3381517 (VCV003381517.2).
Genomic context (GRCh38, chr12:2,486,220, plus strand): 5'-GCCCTGCTTGTGCTGTTTGTCATCATCATCTACGCCATCATCGGCTTGGAGCTCTTCATG[G>A]GGAAGATGCACAAGACCTGCTACAACCAGGAGGGCATAGCAGGTAAGAGGGGCAGGCGGC-3'
Protein context (NP_000710.5, residues 282-302): YAIIGLELFM[Gly292Arg]KMHKTCYNQE

ClinVar aggregate classification (germline): Uncertain significance. Review status: criteria provided, multiple submitters, no conflicts (2 of 4 stars). 2 submissions from 2 submitters: Uncertain significance (2). Last evaluated 2024-06-19.

Submissions (2):

Blueprint Genetics
Classification: Uncertain significance. Last evaluated: 2024-06-19. Review status: criteria provided, single submitter. Criteria: ACMG Guidelines, 2015. Collection method: clinical testing. Allele origin: germline.

GeneDx
Classification: Uncertain significance. Last evaluated: 2024-05-20. Review status: criteria provided, single submitter. Criteria: GeneDx Variant Classification Process June 2021. Collection method: clinical testing. Allele origin: germline. Affected: yes.
Comment: Not observed at significant frequency in large population cohorts (gnomAD); In silico analysis supports that this missense variant has a deleterious effect on protein structure/function; Has not been previously published as pathogenic or benign to our knowledge